The following is an entry in ClinVar:

NM_005909.5(MAP1B):c.6392C>T (p.Pro2131Leu)

Gene: MAP1B (microtubule associated protein 1B; plus strand). Cytogenetic location: 5q13.2.
Variant type: single nucleotide variant.
Coding change: c.6392C>T on transcript NM_005909.5 (MANE Select); coding-DNA position 6392, C replaced by T.
Protein change: p.Pro2131Leu; replaces proline 2131 with leucine.
Molecular consequence: missense variant.
Genome position (GRCh38, 1-based): chr5:72,199,747, C>T. VCF-style: chr5-72199747-C-T. GRCh37 (hg19) VCF-style: chr5-71495574-C-T.
Other names: c.6014C>T, p.Pro2005Leu (NM_001324255.2); short protein forms P2131L, P2005L.
Identifiers: ClinVar variation 4987711 (VCV004987711.2).
Genomic context (GRCh38, chr5:72,199,747, plus strand): 5'-CCAGTGAAGAACCCACTGAAGAATCTGAAAAGCCCCTCACTCAATCAGGGGGAGCCCCAC[C>T]GCCTCCAGGAGGAAAGCAACAGGGCCGACAGTGTGATGAAACCCCTCCCACCTCAGTCAG-3'
Protein context (NP_005900.2, residues 2121-2141): KPLTQSGGAP[Pro2131Leu]PPGGKQQGRQ

ClinVar aggregate classification (germline): Uncertain significance. Review status: criteria provided, multiple submitters, no conflicts (2 of 4 stars). 2 submissions from 2 submitters: Uncertain significance (2). Last evaluated 2026-08-01.

Conditions:
MAP1B-related disorder. Also called: MAP1B-related condition.

gnomAD v4.1: 20 of 1,614,000 alleles (0.0012%); highest among the groups gnomAD compares: Admixed American, 0.0083%; no homozygotes.

Submissions (2):

CeGaT Center for Human Genetics Tuebingen
Classification: Uncertain significance. Last evaluated: 2026-08-01. Review status: criteria provided, single submitter. Criteria: CeGaT Center For Human Genetics Tuebingen Variant Classification Criteria Version 2. Collection method: clinical testing. Allele origin: germline. Affected: yes. Observed: 1 variant allele.

PreventionGenetics, part of Exact Sciences
Classification: Uncertain significance for MAP1B-related condition. Last evaluated: 2025-02-06. Review status: criteria provided, single submitter. Criteria: ACMG Guidelines, 2015. Collection method: clinical testing. Allele origin: germline.
Comment: The MAP1B c.6392C>T variant is predicted to result in the amino acid substitution p.Pro2131Leu. To our knowledge, this variant has not been reported in the literature. This variant is reported in 0.0062% of alleles in individuals of African descent in gnomAD. At this time, the clinical significance of this variant is uncertain due to the absence of conclusive functional and genetic evidence.